The following is an entry in ClinVar:

NM_004655.4(AXIN2):c.1795G>T (p.Ala599Ser)

Gene: AXIN2 (axin 2; minus strand). Cytogenetic location: 17q24.1.
Variant type: single nucleotide variant.
Coding change: c.1795G>T on transcript NM_004655.4 (MANE Select); coding-DNA position 1795, G replaced by T.
Protein change: p.Ala599Ser; replaces alanine 599 with serine.
Molecular consequence: missense variant. On other transcripts: intron variant (1).
Genome position (GRCh38, 1-based): chr17:65,536,981, C>A on the plus strand (G>T on the coding strand, the complement: AXIN2 is on the minus strand). VCF-style: chr17-65536981-C-A. GRCh37 (hg19) VCF-style: chr17-63533099-C-A.
Other names: c.1795G>T (NM_004655.3); c.1712+343G>T (NM_001363813.1); short protein forms A599S.
Identifiers: ClinVar variation 1408220 (VCV001408220.10), dbSNP rs1060502129, ClinGen allele CA400676605.
Genomic context (GRCh38, chr17:65,536,981, plus strand): 5'-CATCCTGCGACCTGTCTCCTTCCTCCCGGGGAAGCTGCAGGGCCCCAGCTCCGCCGGGGG[C>A]CCCTCCTTCCCTGGCGGGCAGGGCCAGGCCCGGCTCCGTGCCTTTCCCATTGCGTTTGGG-3'
Protein context (NP_004646.3, residues 589-609): GLALPAREGG[Ala599Ser]PGGAGALQLP

ClinVar aggregate classification (germline): Uncertain significance. Review status: criteria provided, multiple submitters, no conflicts (2 of 4 stars). 3 submissions from 3 submitters: Uncertain significance (3). Last evaluated 2024-12-19.

Conditions:
Colorectal cancer. Also called: Malignant Colorectal Neoplasm; Colorectal cancer, somatic. Identifiers: MedGen C0346629, MONDO:0005575, OMIM 114500.
Hereditary cancer-predisposing syndrome. Also called: Hereditary Cancer Syndrome; Tumor predisposition; Hereditary neoplastic syndrome; Neoplastic Syndromes, Hereditary. Identifiers: Orphanet 140162, MedGen C0027672, MeSH D009386, MONDO:0015356.
Oligodontia-cancer predisposition syndrome. Also called: TOOTH AGENESIS-COLORECTAL CANCER SYNDROME. Identifiers: Orphanet 300576, MedGen C1837750, MONDO:0012075, OMIM 608615. Disease mechanism: loss of function.

Submissions (3):

Ambry Genetics
Classification: Uncertain significance for Hereditary cancer-predisposing syndrome. Last evaluated: 2024-12-19. Review status: criteria provided, single submitter. Criteria: Ambry Variant Classification Scheme 2023. Collection method: clinical testing. Allele origin: germline.
Comment: The p.A599S variant (also known as c.1795G>T), located in coding exon 6 of the AXIN2 gene, results from a G to T substitution at nucleotide position 1795. The alanine at codon 599 is replaced by serine, an amino acid with similar properties. This amino acid position is conserved. In addition, this alteration is predicted to be tolerated by in silico analysis. Based on the available evidence, the clinical significance of this variant remains unclear.

Baylor Genetics
Classification: Uncertain significance for Colorectal cancer. Last evaluated: 2023-08-24. Review status: criteria provided, single submitter. Criteria: ACMG Guidelines, 2015. Collection method: clinical testing. Allele origin: unknown.

Labcorp Genetics (formerly Invitae), Labcorp
Classification: Uncertain significance for Oligodontia-cancer predisposition syndrome. Last evaluated: 2021-07-14. Review status: criteria provided, single submitter. Criteria: Invitae Variant Classification Sherloc (09022015). Collection method: clinical testing. Allele origin: germline.
Comment: This sequence change replaces alanine with serine at codon 599 of the AXIN2 protein (p.Ala599Ser). The alanine residue is weakly conserved and there is a moderate physicochemical difference between alanine and serine. This variant is not present in population databases (ExAC no frequency). This variant has not been reported in the literature in individuals affected with AXIN2-related conditions. Algorithms developed to predict the effect of missense changes on protein structure and function (SIFT, PolyPhen-2, Align-GVGD) all suggest that this variant is likely to be tolerated. In summary, the available evidence is currently insufficient to determine the role of this variant in disease. Therefore, it has been classified as a Variant of Uncertain Significance.